The following is an entry in ClinVar:

ClinVar aggregate classification (germline): Uncertain significance (1 of 4 stars; one submission).

Allele frequency attached by ClinVar (database versions not stated): gnomAD exomes below 0.00001; gnomAD 0.00001; TOPMed 0.00001.
gnomAD v4.1: 3 of 1,612,972 alleles (0.00019%); highest among the groups gnomAD compares: African/African-American, 0.0013%; no homozygotes.

Submission:

Labcorp Genetics (formerly Invitae), Labcorp
Classification: Uncertain significance. Last evaluated: 2023-11-12. Review status: criteria provided, single submitter. Criteria: Invitae Variant Classification Sherloc (09022015). Collection method: clinical testing. Allele origin: germline.
Comment: This sequence change replaces glutamic acid, which is acidic and polar, with lysine, which is basic and polar, at codon 754 of the CFB protein (p.Glu754Lys). This variant is present in population databases (no rsID available, gnomAD 0.01%). This variant has not been reported in the literature in individuals affected with CFB-related conditions. Advanced modeling of protein sequence and biophysical properties (such as structural, functional, and spatial information, amino acid conservation, physicochemical variation, residue mobility, and thermodynamic stability) performed at Invitae indicates that this missense variant is not expected to disrupt CFB protein function with a negative predictive value of 80%. In summary, the available evidence is currently insufficient to determine the role of this variant in disease. Therefore, it has been classified as a Variant of Uncertain Significance.

NM_001710.6(CFB):c.2260G>A (p.Glu754Lys)

Gene: CFB (complement factor B; plus strand). Cytogenetic location: 6p21.33.
Variant type: single nucleotide variant.
Coding change: c.2260G>A on transcript NM_001710.6 (MANE Select); coding-DNA position 2260, G replaced by A.
Protein change: p.Glu754Lys; replaces glutamic acid 754 with lysine.
Molecular consequence: missense variant.
Genome position (GRCh38, 1-based): chr6:31,951,995, G>A. VCF-style: chr6-31951995-G-A. GRCh37 (hg19) VCF-style: chr6-31919772-G-A.
Other names: short protein forms E754K.
Identifiers: ClinVar variation 2908632 (VCV002908632.3), dbSNP rs1179995431, ClinGen allele CA363414820.